The following is an entry in ClinVar:

NM_001042432.2(CLN3):c.62C>G (p.Pro21Arg)

Gene: CLN3 (CLN3 lysosomal/endosomal transmembrane protein, battenin; minus strand). Cytogenetic location: 16p12.1.
Variant type: single nucleotide variant.
Coding change: c.62C>G on transcript NM_001042432.2 (MANE Select); coding-DNA position 62, C replaced by G.
Protein change: p.Pro21Arg; replaces proline 21 with arginine.
Molecular consequence: missense variant. On other transcripts: intron variant (3).
Genome position (GRCh38, 1-based): chr16:28,491,545, G>C on the plus strand (C>G on the coding strand, the complement: CLN3 is on the minus strand). VCF-style: chr16-28491545-G-C. GRCh37 (hg19) VCF-style: chr16-28502866-G-C.
Other names: c.62C>G, p.Pro21Arg (NM_000086.2, NM_001286104.2); c.-38+169C>G (NM_001286109.2, NM_001286110.2); c.-96+169C>G (NM_001286105.2); short protein forms P21R.
Identifiers: ClinVar variation 1902452 (VCV001902452.2), dbSNP rs562525993, ClinGen allele CA7981086.

ClinVar aggregate classification (germline): Uncertain significance (1 of 4 stars; one submission).

Conditions:
Neuronal ceroid lipofuscinosis. Also called: Neuronal Ceroid Lipofuscinoses. Identifiers: Orphanet 216, Orphanet 79263, MedGen C0027877, MONDO:0016295. Disease mechanism: loss of function.

gnomAD v4.1: 5 of 1,614,046 alleles (0.00031%); highest among the groups gnomAD compares: Admixed American, 0.0083%; no homozygotes.

Submission:

Labcorp Genetics (formerly Invitae), Labcorp
Classification: Uncertain significance for Neuronal ceroid lipofuscinosis. Last evaluated: 2021-08-20. Review status: criteria provided, single submitter. Criteria: Invitae Variant Classification Sherloc (09022015). Collection method: clinical testing. Allele origin: germline.
Comment: This sequence change replaces proline with arginine at codon 21 of the CLN3 protein (p.Pro21Arg). The proline residue is weakly conserved and there is a moderate physicochemical difference between proline and arginine. This variant is present in population databases (rs562525993, ExAC 0.02%). This variant has not been reported in the literature in individuals affected with CLN3-related conditions. Algorithms developed to predict the effect of missense changes on protein structure and function output the following: SIFT: "Tolerated"; PolyPhen-2: "Benign"; Align-GVGD: "Class C0". The arginine amino acid residue is found in multiple mammalian species, which suggests that this missense change does not adversely affect protein function. In summary, the available evidence is currently insufficient to determine the role of this variant in disease. Therefore, it has been classified as a Variant of Uncertain Significance.